The following is an entry in ClinVar:

NM_000260.4(MYO7A):c.109C>T (p.Gln37Ter)

Gene: MYO7A (myosin VIIA; plus strand). Cytogenetic location: 11q13.5.
Variant type: single nucleotide variant.
Coding change: c.109C>T on transcript NM_000260.4 (MANE Select); coding-DNA position 109, C replaced by T.
Protein change: p.Gln37Ter; replaces glutamine 37 with a stop codon.
Molecular consequence: nonsense.
Genome position (GRCh38, 1-based): chr11:77,142,799, C>T. VCF-style: chr11-77142799-C-T. GRCh37 (hg19) VCF-style: chr11-76853845-C-T.
Other names: c.109C>T, p.Gln37Ter (NM_001127180.2); c.76C>T, p.Gln26Ter (NM_001369365.1); short protein forms Q26*, Q37*.
Identifiers: ClinVar variation 983709 (VCV000983709.8), dbSNP rs1951308166, ClinGen allele CA381926505.

ClinVar aggregate classification (germline): Pathogenic/Likely pathogenic. Review status: criteria provided, multiple submitters, no conflicts (2 of 4 stars). 2 submissions from 2 submitters: Pathogenic (1); Likely pathogenic (1). Last evaluated 2021-08-09.

Conditions:
Usher syndrome type 1 (USH1). Also called: RETINITIS PIGMENTOSA AND CONGENITAL DEAFNESS. Identifiers: Orphanet 231169, Orphanet 886, MedGen C1568247, MONDO:0010168, OMIM 276900.

Submissions (2):

Labcorp Genetics (formerly Invitae), Labcorp
Classification: Pathogenic. Last evaluated: 2021-08-09. Review status: criteria provided, single submitter. Criteria: Invitae Variant Classification Sherloc (09022015). Collection method: clinical testing. Allele origin: germline.
Comment: For these reasons, this variant has been classified as Pathogenic. ClinVar contains an entry for this variant (Variation ID: 983709). This variant has not been reported in the literature in individuals affected with MYO7A-related conditions. This variant is not present in population databases (ExAC no frequency). This sequence change creates a premature translational stop signal (p.Gln37*) in the MYO7A gene. It is expected to result in an absent or disrupted protein product. Loss-of-function variants in MYO7A are known to be pathogenic (PMID: 8900236, 25404053).

Myriad Genetics, Inc.
Classification: Likely pathogenic for Usher syndrome type 1. Last evaluated: 2019-10-17. Review status: criteria provided, single submitter. Criteria: Myriad Women's Health Autosomal Recessive and X-Linked Classification Criteria (2019). Collection method: clinical testing. Allele origin: unknown.
Comment: NM_000260.3(MYO7A):c.109C>T(Q37*) is expected to be pathogenic in the context of MYO7A-related disorders. This variant is predicted to lead to an abnormal or absent protein product due to the creation of a premature termination codon in MYO7A, a gene where loss-of-function variants are known to be pathogenic. Please note: this variant was assessed in the context of healthy population screening.

Literature cited by the submitters: PubMed 8900236 (cited by Labcorp Genetics (formerly Invitae), Labcorp); PubMed 25404053 (cited by Labcorp Genetics (formerly Invitae), Labcorp).